The following is an entry in ClinVar:

ClinVar aggregate classification (germline): Uncertain significance (1 of 4 stars; one submission).

Allele frequency attached by ClinVar (database versions not stated): ExAC 0.00001.

Submission:

Labcorp Genetics (formerly Invitae), Labcorp
Classification: Uncertain significance. Last evaluated: 2025-06-09. Review status: criteria provided, single submitter. Criteria: Invitae Variant Classification Sherloc (09022015). Collection method: clinical testing. Allele origin: germline.
Comment: This sequence change replaces arginine, which is basic and polar, with leucine, which is neutral and non-polar, at codon 694 of the USP9X protein (p.Arg694Leu). This variant is not present in population databases (gnomAD no frequency). This variant has not been reported in the literature in individuals affected with USP9X-related conditions. ClinVar contains an entry for this variant (Variation ID: 2011847). An algorithm developed to predict the effect of missense changes on protein structure and function (PolyPhen-2) suggests that this variant is likely to be disruptive. In summary, the available evidence is currently insufficient to determine the role of this variant in disease. Therefore, it has been classified as a Variant of Uncertain Significance.

NM_001039591.3(USP9X):c.2081G>T (p.Arg694Leu)

Gene: USP9X (ubiquitin specific peptidase 9 X-linked; plus strand). Cytogenetic location: Xp11.4.
Variant type: single nucleotide variant.
Coding change: c.2081G>T on transcript NM_001039591.3 (MANE Select); coding-DNA position 2081, G replaced by T.
Protein change: p.Arg694Leu; replaces arginine 694 with leucine.
Molecular consequence: missense variant.
Genome position (GRCh38, 1-based): chrX:41,165,967, G>T. VCF-style: chrX-41165967-G-T. GRCh37 (hg19) VCF-style: chrX-41025220-G-T.
Other names: c.2081G>T, p.Arg694Leu (NM_001039590.3); c.2096G>T, p.Arg699Leu (NM_001410748.1, NM_001410749.1); short protein forms R699L, R694L.
Identifiers: ClinVar variation 2011847 (VCV002011847.4), dbSNP rs766625329, ClinGen allele CA10388524.